The following is an entry in ClinVar:

ClinVar aggregate classification (germline): Likely benign (1 of 4 stars; one submission).

Allele frequency attached by ClinVar (database versions not stated): 1000 Genomes Project 0.00140; 1000 Genomes Project 30x 0.00141; TOPMed 0.00238; ESP Exome Variant Server 0.00302; gnomAD 0.00648; ExAC 0.00747.

Submission:

CeGaT Center for Human Genetics Tuebingen
Classification: Likely benign. Last evaluated: 2023-01-01. Review status: criteria provided, single submitter. Criteria: CeGaT Center For Human Genetics Tuebingen Variant Classification Criteria Version 2. Collection method: clinical testing. Allele origin: germline. Affected: yes. Observed: 3 variant alleles.
Comment: MUC2: BP4, BP7

NM_002457.5(MUC2):c.3102C>T (p.Pro1034=)

Gene: MUC2 (mucin 2, oligomeric mucus/gel-forming; plus strand). Cytogenetic location: 11p15.5.
Variant type: single nucleotide variant.
Coding change: c.3102C>T on transcript NM_002457.5 (MANE Select); coding-DNA position 3102, C replaced by T.
Protein change: p.Pro1034=; no amino-acid change (proline 1034 retained).
Molecular consequence: synonymous variant.
Genome position (GRCh38, 1-based): chr11:1,088,404, C>T. VCF-style: chr11-1088404-C-T. GRCh37 (hg19) VCF-style: chr11-1086393-C-T.
Identifiers: ClinVar variation 2641125 (VCV002641125.24), dbSNP rs200179172, ClinGen allele CA5799232.